The following is an entry in ClinVar:

ClinVar aggregate classification (germline): Uncertain significance (1 of 4 stars; one submission).

Conditions:
Adams-Oliver syndrome 5 (AOS5). Identifiers: Orphanet 974, MedGen C4014970, MONDO:0014459, OMIM 616028.

Submission:

Labcorp Genetics (formerly Invitae), Labcorp
Classification: Uncertain significance for Adams-Oliver syndrome 5. Last evaluated: 2022-02-04. Review status: criteria provided, single submitter. Criteria: Invitae Variant Classification Sherloc (09022015). Collection method: clinical testing. Allele origin: germline.
Comment: In summary, the available evidence is currently insufficient to determine the role of this variant in disease. Therefore, it has been classified as a Variant of Uncertain Significance. Advanced modeling of protein sequence and biophysical properties (such as structural, functional, and spatial information, amino acid conservation, physicochemical variation, residue mobility, and thermodynamic stability) performed at Invitae indicates that this missense variant is not expected to disrupt NOTCH1 protein function. This variant has not been reported in the literature in individuals affected with NOTCH1-related conditions. This variant is not present in population databases (gnomAD no frequency). This sequence change replaces methionine, which is neutral and non-polar, with threonine, which is neutral and polar, at codon 2010 of the NOTCH1 protein (p.Met2010Thr).

NM_017617.5(NOTCH1):c.6029T>C (p.Met2010Thr)

Genes: NOTCH1 (notch receptor 1; minus strand), LOC126860794 (BRD4-independent group 4 enhancer GRCh37_chr9:139392592-139393791; plus strand). Cytogenetic location: 9q34.3.
Variant type: single nucleotide variant.
Coding change: c.6029T>C on transcript NM_017617.5 (MANE Select); coding-DNA position 6029, T replaced by C.
Protein change: p.Met2010Thr; replaces methionine 2010 with threonine.
Molecular consequence: missense variant.
Genome position (GRCh38, 1-based): chr9:136,499,165, A>G on the plus strand (T>C on the coding strand, the complement: NOTCH1 is on the minus strand). VCF-style: chr9-136499165-A-G. GRCh37 (hg19) VCF-style: chr9-139393617-A-G.
Other names: short protein forms M2010T.
Identifiers: ClinVar variation 1462732 (VCV001462732.6), dbSNP rs2133322772, ClinGen allele CA375634450.